The following is an entry in ClinVar:

NM_025137.4(SPG11):c.3695A>G (p.Gln1232Arg)

Gene: SPG11 (SPG11 vesicle trafficking associated, spatacsin; minus strand). Cytogenetic location: 15q21.1.
Variant type: single nucleotide variant.
Coding change: c.3695A>G on transcript NM_025137.4 (MANE Select); coding-DNA position 3695, A replaced by G.
Protein change: p.Gln1232Arg; replaces glutamine 1232 with arginine.
Molecular consequence: missense variant.
Genome position (GRCh38, 1-based): chr15:44,598,828, T>C on the plus strand (A>G on the coding strand, the complement: SPG11 is on the minus strand). VCF-style: chr15-44598828-T-C. GRCh37 (hg19) VCF-style: chr15-44891026-T-C.
Other names: p.Gln1232Arg; c.3695A>G, p.Gln1232Arg (NM_001160227.2); short protein forms Q1232R.
Identifiers: ClinVar variation 569104 (VCV000569104.7), dbSNP rs529595414, ClinGen allele CA7534863.
Genomic context (GRCh38, chr15:44,598,828, plus strand): 5'-GCTCCTATTGAAGGTATGTGGAAGGAGGAGAGCCCTATAACATAGGCTTCATTGCCTACT[T>C]GCTGGATCCTGAAAAAGAAAGGAATCAAAATCACATCAGCACATGAAAATTATGTCTCAC-3'
Protein context (NP_079413.3, residues 1222-1242): KSKTPKQLIQ[Gln1232Arg]VGNEAYVIGL

ClinVar aggregate classification (germline): Uncertain significance. Review status: criteria provided, multiple submitters, no conflicts (2 of 4 stars). 3 submissions from 3 submitters: Uncertain significance (3). Last evaluated 2025-10-03.

Conditions:
SPG11-related disorder. Also called: SPG11-related condition.
Hereditary spastic paraplegia 11. Also called: Nakamura Osame syndrome; Autosomal recessive hereditary spastic paraplegia, mental impairment, and thin corpus callosum; Spastic paraplegia, mental retardation and thin corpus callosum; SPASTIC PARAPLEGIA, AUTOSOMAL RECESSIVE, COMPLICATED, WITH THIN CORPUS CALLOSUM; SPASTIC PARAPLEGIA, AUTOSOMAL RECESSIVE, WITH MENTAL IMPAIRMENT AND THIN CORPUS CALLOSUM; Spastic Paraplegia 11. Identifiers: Orphanet 2822, MedGen C1858479, MONDO:0011445, OMIM 604360.

Allele frequency attached by ClinVar (database versions not stated): gnomAD exomes below 0.00001 and 0.00001; ExAC 0.00001; gnomAD 0.00006; TOPMed 0.00008; 1000 Genomes Project 30x 0.00016; 1000 Genomes Project 0.00020.
gnomAD v4.1: 18 of 1,614,158 alleles (0.0011%); highest among the groups gnomAD compares: Admixed American, 0.013%; no homozygotes.

Submissions (3):

Mayo Clinic Laboratories, Mayo Clinic
Classification: Uncertain significance. Last evaluated: 2025-10-03. Review status: criteria provided, single submitter. Criteria: ACMG Guidelines, 2015. Collection method: clinical testing. Allele origin: germline. Observed: 1 variant allele.
Comment: BP4

PreventionGenetics, part of Exact Sciences
Classification: Uncertain significance for SPG11-related condition. Last evaluated: 2025-07-09. Review status: criteria provided, single submitter. Criteria: ACMG Guidelines, 2015. Collection method: clinical testing. Allele origin: germline.
Comment: The SPG11 c.3695A>G variant is predicted to result in the amino acid substitution p.Gln1232Arg. To our knowledge, this variant has not been reported in the literature. This variant is reported in 0.0056% of alleles in individuals of Latino descent in gnomAD. At this time, the clinical significance of this variant is uncertain due to the absence of conclusive functional and genetic evidence.

Labcorp Genetics (formerly Invitae), Labcorp
Classification: Uncertain significance for Hereditary spastic paraplegia 11. Last evaluated: 2022-07-05. Review status: criteria provided, single submitter. Criteria: Invitae Variant Classification Sherloc (09022015). Collection method: clinical testing. Allele origin: germline.
Comment: This sequence change replaces glutamine, which is neutral and polar, with arginine, which is basic and polar, at codon 1232 of the SPG11 protein (p.Gln1232Arg). This variant is present in population databases (rs529595414, gnomAD 0.006%). This variant has not been reported in the literature in individuals affected with SPG11-related conditions. ClinVar contains an entry for this variant (Variation ID: 569104). Algorithms developed to predict the effect of missense changes on protein structure and function output the following: SIFT: "Tolerated"; PolyPhen-2: "Possibly Damaging"; Align-GVGD: "Class C0". The arginine amino acid residue is found in multiple mammalian species, which suggests that this missense change does not adversely affect protein function. In summary, the available evidence is currently insufficient to determine the role of this variant in disease. Therefore, it has been classified as a Variant of Uncertain Significance.